The following is an entry in ClinVar:

ClinVar aggregate classification (germline): Benign (3 of 4 stars; one submission).

Conditions:
Breast-ovarian cancer, familial, susceptibility to, 1 (BROVCA1). Also called: BRCA1 Hereditary Breast and Ovarian Cancer; OVARIAN CANCER, SUSCEPTIBILITY TO. Identifiers: Orphanet 145, MedGen C2676676, MONDO:0011450, OMIM 604370. Disease mechanism: loss of function.

Allele frequency attached by ClinVar (database versions not stated): TOPMed 0.30219; gnomAD 0.30836 and 0.31595; 1000 Genomes Project 30x 0.34728; 1000 Genomes Project 0.35304.
gnomAD v4.1: 47,476 of 150,224 alleles (32%); highest among the groups gnomAD compares: South Asian, 49%; 7,820 homozygotes.

Submission:

Evidence-based Network for the Interpretation of Germline Mutant Alleles (ENIGMA)
Classification: Benign for Breast-ovarian cancer, familial 1. Last evaluated: 2015-01-12. Review status: reviewed by expert panel. Criteria: ENIGMA BRCA1/2 Classification Criteria (2015). Collection method: curation. Allele origin: germline.
Comment: Class 1 not pathogenic based on frequency >1% in an outbred sampleset. Frequency 0.3304 (Asian), 0.2154 (African), 0.3602 (European), derived from 1000 genomes (2012-04-30).

NM_007294.4(BRCA1):c.135-499G>A

Gene: BRCA1 (BRCA1 DNA repair associated; minus strand). Cytogenetic location: 17q21.31.
Variant type: single nucleotide variant.
Coding change: c.135-499G>A on transcript NM_007294.4 (MANE Select); 499 bases into the intron before coding-DNA position 135, G replaced by A.
Molecular consequence: intron variant.
Genome position (GRCh38, 1-based): chr17:43,107,032, C>T on the plus strand (G>A on the coding strand, the complement: BRCA1 is on the minus strand). VCF-style: chr17-43107032-C-T. GRCh37 (hg19) VCF-style: chr17-41259049-C-T.
Other names: IVS 3-499G>A; c.-7-499G>A (NM_001408458.1, NM_001407931.1, NM_001407747.1 and 99 more transcripts); c.-218-12172G>A (NM_001407967.1, NM_001407966.1); c.-169-2076G>A (NM_001407959.1, NM_001407962.1, NM_001408512.1 and 4 more transcripts); c.-54-499G>A (NM_001407885.1, NM_001407886.1, NM_001407898.1 and 58 more transcripts); c.135-499G>A (NM_001407686.1, NM_001408397.1, NM_001407632.1 and 167 more transcripts); c.81-2076G>A (NM_001408451.1); c.135-2076G>A (NM_001408475.1, NM_001407875.1, NM_001407659.1 and 21 more transcripts).
Identifiers: ClinVar variation 209494 (VCV000209494.2), dbSNP rs8176126, ClinGen allele CA276464.